The following is an entry in ClinVar:

NM_000363.5(TNNI3):c.554A>T (p.Asn185Ile)

Gene: TNNI3 (troponin I3, cardiac type; minus strand). Cytogenetic location: 19q13.42.
Variant type: single nucleotide variant.
Coding change: c.554A>T on transcript NM_000363.5 (MANE Select); coding-DNA position 554, A replaced by T.
Protein change: p.Asn185Ile; replaces asparagine 185 with isoleucine.
Molecular consequence: missense variant.
Genome position (GRCh38, 1-based): chr19:55,151,913, T>A on the plus strand (A>T on the coding strand, the complement: TNNI3 is on the minus strand). VCF-style: chr19-55151913-T-A. GRCh37 (hg19) VCF-style: chr19-55663281-T-A.
Other names: short protein forms N185I.
Identifiers: ClinVar variation 4758138 (VCV004758138.1).
Genomic context (GRCh38, chr19:55,151,913, plus strand): 5'-TTGCGGCCCTCCATTCCACTCAGTGCATCGATGTTCTTGCGCCAGTCTCCCACCTCCCGG[T>A]TTTCCTGGAGGATGGCGATGAGTCAGAGGTTAGGGTCTCTTCTTGGTCTCCAGTCTCTCA-3'
Protein context (NP_000354.4, residues 175-195): QVKKEDTEKE[Asn185Ile]REVGDWRKNI

ClinVar aggregate classification (germline): Uncertain significance (1 of 4 stars; one submission).

Conditions:
Cardiomyopathy (CMYO). Also called: Cardiomyopathies. Identifiers: Orphanet 167848, MedGen C0878544, MONDO:0004994, HP:0001638. Inheritance: Various modes of inheritance.

Submission:

Color Diagnostics, LLC DBA Color Health
Classification: Uncertain significance for Cardiomyopathy. Last evaluated: 2025-10-12. Review status: criteria provided, single submitter. Criteria: ACMG Guidelines, 2015. Collection method: clinical testing. Allele origin: germline.
Comment: This missense variant replaces asparagine with isoleucine at codon 185 of the TNNI3 protein. Computational prediction suggests that this variant may not impact protein structure and function. To our knowledge, functional studies have not been reported for this variant. This variant has not been reported in individuals affected with TNNI3-related disorders in the literature. This variant has not been identified in the general population by the Genome Aggregation Database (gnomAD). The available evidence is insufficient to determine the role of this variant in disease conclusively. Therefore, this variant is classified as a Variant of Uncertain Significance.